The following is an entry in ClinVar:

NM_022124.6(CDH23):c.3220+5G>A

Gene: CDH23 (cadherin related 23; plus strand). Cytogenetic location: 10q22.1.
Variant type: single nucleotide variant.
Coding change: c.3220+5G>A on transcript NM_022124.6 (MANE Select); 5 bases into the intron after coding-DNA position 3220, G replaced by A.
Molecular consequence: intron variant.
Genome position (GRCh38, 1-based): chr10:71,709,216, G>A. VCF-style: chr10-71709216-G-A. GRCh37 (hg19) VCF-style: chr10-73468973-G-A.
Other names: c.3220+5G>A (NM_001171930.2).
Identifiers: ClinVar variation 930070 (VCV000930070.8), dbSNP rs977262704, ClinGen allele CA209462279.

ClinVar aggregate classification (germline): Uncertain significance. Review status: criteria provided, multiple submitters, no conflicts (2 of 4 stars). 4 submissions from 4 submitters: Uncertain significance (3). 1 of the submissions does not count toward it. Last evaluated 2022-09-06.

Conditions:
Usher syndrome type 1 (USH1). Also called: RETINITIS PIGMENTOSA AND CONGENITAL DEAFNESS. Identifiers: Orphanet 231169, Orphanet 886, MedGen C1568247, MONDO:0010168, OMIM 276900.

Allele frequency attached by ClinVar (database versions not stated): gnomAD exomes 0.00001; gnomAD 0.00010 and 0.00013; TOPMed 0.00014.
gnomAD v4.1: 26 of 1,612,236 alleles (0.0016%); highest among the groups gnomAD compares: African/African-American, 0.031%; no homozygotes.

Submissions (4):

Blueprint Genetics
Classification: Uncertain significance. Last evaluated: 2022-09-06. Review status: criteria provided, single submitter. Criteria: ACMG Guidelines, 2015. Collection method: clinical testing. Allele origin: germline.

Labcorp Genetics (formerly Invitae), Labcorp
Classification: Uncertain significance. Last evaluated: 2022-07-06. Review status: criteria provided, single submitter. Criteria: Invitae Variant Classification Sherloc (09022015). Collection method: clinical testing. Allele origin: germline.
Comment: This sequence change falls in intron 27 of the CDH23 gene. It does not directly change the encoded amino acid sequence of the CDH23 protein. It affects a nucleotide within the consensus splice site. This variant is present in population databases (no rsID available, gnomAD 0.02%). This variant has not been reported in the literature in individuals affected with CDH23-related conditions. ClinVar contains an entry for this variant (Variation ID: 930070). Variants that disrupt the consensus splice site are a relatively common cause of aberrant splicing (PMID: 17576681, 9536098). Algorithms developed to predict the effect of sequence changes on RNA splicing suggest that this variant may create or strengthen a splice site. In summary, the available evidence is currently insufficient to determine the role of this variant in disease. Therefore, it has been classified as a Variant of Uncertain Significance.

Laboratory for Molecular Medicine, Mass General Brigham Personalized Medicine
Classification: Uncertain significance. Last evaluated: 2019-09-25. Review status: criteria provided, single submitter. Criteria: LMM Criteria. Collection method: clinical testing. Allele origin: germline. Observed: 1 variant allele.
Comment: The c.3220+5G>A variant in CDH23 has not been previously reported in individuals with Usher syndrome or hearing loss but has been identified in 0.01% (4/24116) of African chromosomes by gnomAD. This variant is located in the 5' splice region. Computational tools predict a splicing impact, though this information is not predictive enough to determine pathogenicity. In summary, the clinical significance of this variant is uncertain. ACMG/AMP Criteria applied: PM2_Supporting, PP3.

Natera, Inc.
Classification: Uncertain significance for Usher syndrome type 1. Last evaluated: 2020-03-11. Review status: no assertion criteria provided. Collection method: clinical testing. Allele origin: germline. Not counted in ClinVar's aggregate classification.

Literature cited by the submitters: PubMed 17576681 (cited by Labcorp Genetics (formerly Invitae), Labcorp); PubMed 9536098 (cited by Labcorp Genetics (formerly Invitae), Labcorp).